The following is an entry in ClinVar:

ClinVar aggregate classification (germline): Pathogenic (1 of 4 stars; one submission).

Conditions:
Charcot-Marie-Tooth disease type 2. Also called: Charcot-Marie-Tooth type 2. Identifiers: Orphanet 64746, MedGen C0270914, MONDO:0018993.

Submission:

Labcorp Genetics (formerly Invitae), Labcorp
Classification: Pathogenic for Charcot-Marie-Tooth disease type 2. Last evaluated: 2021-05-05. Review status: criteria provided, single submitter. Criteria: Invitae Variant Classification Sherloc (09022015). Collection method: clinical testing. Allele origin: germline.
Comment: A gross deletion of the genomic region encompassing the full coding sequence of the LMNA gene has been identified. The boundaries of this event are unknown as the deletion extends beyond the assayed region for this gene and therefore may encompass additional genes. This variant has not been reported in the literature in individuals with LMNA-related disease. Loss-of-function variants in LMNA are known to be pathogenic (PMID: 18585512, 18926329). For these reasons, this variant has been classified as Pathogenic.

Literature cited by the submitters: PubMed 18585512; PubMed 18926329.

NC_000001.10:g.(?_155581953)_(156851434_?)del

Genes: ARHGEF2 (Rho/Rac guanine nucleotide exchange factor 2; minus strand), BCAN (brevican; plus strand), BGLAP (bone gamma-carboxyglutamate protein; plus strand), CCT3 (chaperonin containing TCP1 subunit 3; minus strand), CRABP2 (cellular retinoic acid binding protein 2; minus strand) and 42 more. Cytogenetic location: 1q22-23.1.
Variant type: Deletion.
Identifiers: ClinVar variation 1460461 (VCV001460461.1).